The following is an entry in ClinVar:

ClinVar aggregate classification (germline): Uncertain significance (1 of 4 stars; one submission).

Submission:

GeneDx
Classification: Uncertain significance. Last evaluated: 2025-02-03. Review status: criteria provided, single submitter. Criteria: GeneDx Variant Classification Process June 2021. Collection method: clinical testing. Allele origin: germline. Affected: yes.
Comment: Not observed at significant frequency in large population cohorts (gnomAD); Frameshift variant predicted to result in protein truncation or nonsense mediated decay in a gene or region of a gene for which loss of function is not a well-established mechanism of disease; Has not been previously published as pathogenic or benign to our knowledge

NM_004385.5(VCAN):c.7614dup (p.Pro2539fs)

Genes: VCAN (versican; plus strand), VCAN-AS1 (VCAN antisense RNA 1; minus strand). Cytogenetic location: 5q14.3.
Variant type: Duplication.
Coding change: c.7614dup on transcript NM_004385.5 (MANE Select); coding-DNA position 7614, one base duplicated (A; older notation c.7614dupA).
Protein change: p.Pro2539fs; shifts the reading frame from proline 2539.
Molecular consequence: frameshift variant. On other transcripts: intron variant (2).
Genome position (GRCh38, 1-based): chr5:83,540,617, A duplicated; the last of 7 consecutive A bases (chr5:83,540,611-83,540,617); duplicating any one gives the same sequence. VCF-style (leftmost placement, unchanged base first): chr5-83540610-G-GA. GRCh37 (hg19) VCF-style: chr5-82836429-G-GA.
Other names: c.4653dup, p.Pro1552fs (NM_001164097.2); c.4004-4920dup (NM_001164098.2); c.1043-4920dup (NM_001126336.3); short protein forms P1552fs, P2539fs.
Identifiers: ClinVar variation 4072808 (VCV004072808.1).
Genomic context (GRCh38, chr5:83,540,610, plus strand): 5'-CAGACGGTAGTTTCCAAGACCGTTTCAGGGAATTCGAGGATTCCACCTTAAAACCTAACA[G>GA]AAAAAAACCCACTGAAAATATTATCATAGACCTGGACAAAGAGGACAAGGATTTAATATT-3'